The following is an entry in ClinVar:

ClinVar aggregate classification (germline): Uncertain significance. Review status: criteria provided, multiple submitters, no conflicts (2 of 4 stars). 2 submissions from 2 submitters: Uncertain significance (2). Last evaluated 2025-10-18.

Conditions:
FANCI-related disorder. Also called: FANCI-related condition.
Fanconi anemia (FA). Also called: Fanconi's anemia. Identifiers: Orphanet 84, MedGen C0015625, MeSH D005199, MONDO:0019391.

Allele frequency attached by ClinVar (database versions not stated): gnomAD 0.00001; gnomAD exomes 0.00001; TOPMed 0.00002; ExAC 0.00005.
gnomAD v4.1: 37 of 1,551,720 alleles (0.0024%); highest among the groups gnomAD compares: Non-Finnish European, 0.003%; no homozygotes.

Submissions (2):

Labcorp Genetics (formerly Invitae), Labcorp
Classification: Uncertain significance for Fanconi anemia. Last evaluated: 2025-10-18. Review status: criteria provided, single submitter. Criteria: Invitae Variant Classification Sherloc (09022015). Collection method: clinical testing. Allele origin: germline.
Comment: This sequence change replaces asparagine, which is neutral and polar, with aspartic acid, which is acidic and polar, at codon 873 of the FANCI protein (p.Asn873Asp). This variant is present in population databases (rs764167093, gnomAD 0.002%). This variant has not been reported in the literature in individuals affected with FANCI-related conditions. ClinVar contains an entry for this variant (Variation ID: 1023290). An algorithm developed to predict the effect of missense changes on protein structure and function (PolyPhen-2) suggests that this variant is likely to be tolerated. In summary, the available evidence is currently insufficient to determine the role of this variant in disease. Therefore, it has been classified as a Variant of Uncertain Significance.

PreventionGenetics, part of Exact Sciences
Classification: Uncertain significance for FANCI-related condition. Last evaluated: 2025-06-18. Review status: criteria provided, single submitter. Criteria: ACMG Guidelines, 2015. Collection method: clinical testing. Allele origin: germline.
Comment: The FANCI c.2617A>G variant is predicted to result in the amino acid substitution p.Asn873Asp. To our knowledge, this variant has not been reported in the literature. This variant is reported in 0.0033% of alleles in individuals of European (Non-Finnish) descent in gnomAD. At this time, the clinical significance of this variant is uncertain due to the absence of conclusive functional and genetic evidence.

NM_001113378.2(FANCI):c.2617A>G (p.Asn873Asp)

Gene: FANCI (FA complementation group I; plus strand). Cytogenetic location: 15q26.1.
Variant type: single nucleotide variant.
Coding change: c.2617A>G on transcript NM_001113378.2 (MANE Select); coding-DNA position 2617, A replaced by G.
Protein change: p.Asn873Asp; replaces asparagine 873 with aspartic acid.
Molecular consequence: missense variant. On other transcripts: intron variant (1).
Genome position (GRCh38, 1-based): chr15:89,295,075, A>G. VCF-style: chr15-89295075-A-G. GRCh37 (hg19) VCF-style: chr15-89838306-A-G.
Other names: c.2617A>G (NM_001113378.1); c.2338A>G, p.Asn780Asp (NM_001376910.1); c.2617A>G, p.Asn873Asp (NM_001376911.1); c.2456+1078A>G (NM_018193.3); short protein forms N780D, N873D.
Identifiers: ClinVar variation 1023290 (VCV001023290.8), dbSNP rs764167093, ClinGen allele CA7723411.